The following is an entry in ClinVar:

ClinVar aggregate classification (germline): Uncertain significance. Review status: criteria provided, multiple submitters, no conflicts (2 of 4 stars). 2 submissions from 2 submitters: Uncertain significance (2). Last evaluated 2025-09-10.

Conditions:
Inborn genetic diseases. Identifiers: MedGen C0950123, MeSH D030342.

Allele frequency attached by ClinVar (database versions not stated): TOPMed below 0.00001; gnomAD exomes 0.00001; ExAC 0.00002; gnomAD 0.00003.
gnomAD v4.1: 20 of 1,614,038 alleles (0.0012%); highest among the groups gnomAD compares: Non-Finnish European, 0.0015%; no homozygotes.

Submissions (2):

Ambry Genetics
Classification: Uncertain significance for Inborn genetic diseases. Last evaluated: 2025-09-10. Review status: criteria provided, single submitter. Criteria: Ambry Variant Classification Scheme 2023. Collection method: clinical testing. Allele origin: germline.

Labcorp Genetics (formerly Invitae), Labcorp
Classification: Uncertain significance. Last evaluated: 2022-03-29. Review status: criteria provided, single submitter. Criteria: Invitae Variant Classification Sherloc (09022015). Collection method: clinical testing. Allele origin: germline.
Comment: This sequence change replaces glycine, which is neutral and non-polar, with arginine, which is basic and polar, at codon 484 of the TRPM1 protein (p.Gly484Arg). This variant is present in population databases (rs770197134, gnomAD 0.003%). This variant has not been reported in the literature in individuals affected with TRPM1-related conditions. Algorithms developed to predict the effect of missense changes on protein structure and function (SIFT, PolyPhen-2, Align-GVGD) all suggest that this variant is likely to be disruptive. Algorithms developed to predict the effect of sequence changes on RNA splicing suggest that this variant may create or strengthen a splice site. In summary, the available evidence is currently insufficient to determine the role of this variant in disease. Therefore, it has been classified as a Variant of Uncertain Significance.

NM_001252024.2(TRPM1):c.1516G>A (p.Gly506Arg)

Gene: TRPM1 (transient receptor potential cation channel subfamily M member 1; minus strand). Cytogenetic location: 15q13.3.
Variant type: single nucleotide variant.
Coding change: c.1516G>A on transcript NM_001252024.2 (MANE Select); coding-DNA position 1516, G replaced by A.
Protein change: p.Gly506Arg; replaces glycine 506 with arginine.
Molecular consequence: missense variant.
Genome position (GRCh38, 1-based): chr15:31,049,431, C>T on the plus strand (G>A on the coding strand, the complement: TRPM1 is on the minus strand). VCF-style: chr15-31049431-C-T. GRCh37 (hg19) VCF-style: chr15-31341634-C-T.
Other names: c.1567G>A, p.Gly523Arg (NM_001252020.2); c.1450G>A, p.Gly484Arg (NM_002420.6); c.1450G>A (NM_002420.4); short protein forms G484R, G506R, G523R.
Identifiers: ClinVar variation 1443364 (VCV001443364.4), dbSNP rs770197134, ClinGen allele CA7452542.
Genomic context (GRCh38, chr15:31,049,431, plus strand): 5'-TCACTGTGTTATAAAGCTCCTCCAGCCTCGGAATGGTCAGAAAGTGTTGCATGTTCACTC[C>T]GTTTTCAATCAGGAGCTTCACAAAGTCGACACGATCTAAGACTAAAGCATCTAGCATCGC-3'
Protein context (NP_001238953.1, residues 496-516): VDFVKLLIEN[Gly506Arg]VNMQHFLTIP